The following is an entry in ClinVar:

NM_000548.5(TSC2):c.3244G>T (p.Gly1082Cys)

Gene: TSC2 (TSC complex subunit 2; plus strand). Cytogenetic location: 16p13.3.
Variant type: single nucleotide variant.
Coding change: c.3244G>T on transcript NM_000548.5 (MANE Select); coding-DNA position 3244, G replaced by T.
Protein change: p.Gly1082Cys; replaces glycine 1082 with cysteine.
Molecular consequence: missense variant. On other transcripts: non-coding transcript variant (5).
Genome position (GRCh38, 1-based): chr16:2,079,388, G>T. VCF-style: chr16-2079388-G-T. GRCh37 (hg19) VCF-style: chr16-2129389-G-T.
Other names: c.3112G>T, p.Gly1038Cys (NM_001077183.3, NM_001370404.1, NM_001406665.1); c.3244G>T, p.Gly1082Cys (NM_001114382.3); c.3004G>T, p.Gly1002Cys (NM_001318827.2); c.2968G>T, p.Gly990Cys (NM_001318829.2); c.2512G>T, p.Gly838Cys (NM_001318831.2, NM_001406687.1, NM_001406688.1); c.3145G>T, p.Gly1049Cys (NM_001318832.2); c.3115G>T, p.Gly1039Cys (NM_001363528.2, NM_001370405.1, NM_021055.3); c.3241G>T, p.Gly1081Cys (NM_001406663.1, NM_001406664.1); and 18 more; short protein forms G1001C, G1002C, G1019C, G1032C, G1033C, G1034C, G1035C, G1038C.
Identifiers: ClinVar variation 3232137 (VCV003232137.1), dbSNP rs2151440072, ClinGen allele CA394286098.

ClinVar aggregate classification (germline): Uncertain significance (1 of 4 stars; one submission).

Conditions:
Hereditary cancer-predisposing syndrome. Also called: Neoplastic Syndromes, Hereditary; Tumor predisposition; Hereditary neoplastic syndrome; Hereditary Cancer Syndrome. Identifiers: Orphanet 140162, MedGen C0027672, MeSH D009386, MONDO:0015356.

Submission:

Ambry Genetics
Classification: Uncertain significance for Hereditary cancer-predisposing syndrome. Last evaluated: 2024-03-05. Review status: criteria provided, single submitter. Criteria: Ambry Variant Classification Scheme 2023. Collection method: clinical testing. Allele origin: germline.
Comment: The p.G1082C variant (also known as c.3244G>T), located in coding exon 27 of the TSC2 gene, results from a G to T substitution at nucleotide position 3244. The glycine at codon 1082 is replaced by cysteine, an amino acid with highly dissimilar properties. This amino acid position is conserved. In addition, this alteration is predicted to be deleterious by in silico analysis. Based on the available evidence, the clinical significance of this alteration remains unclear.